The following is an entry in ClinVar:

ClinVar aggregate classification (germline): Uncertain significance (1 of 4 stars; one submission).

gnomAD v4.1: 2 of 1,614,110 alleles (0.00012%); highest among the groups gnomAD compares: African/African-American, 0.0013%; no homozygotes.

Submission:

CeGaT Center for Human Genetics Tuebingen
Classification: Uncertain significance. Last evaluated: 2026-06-01. Review status: criteria provided, single submitter. Criteria: CeGaT Center For Human Genetics Tuebingen Variant Classification Criteria Version 2. Collection method: clinical testing. Allele origin: germline. Affected: yes. Observed: 1 variant allele.
Comment: ANK3: PM2

NM_020987.5(ANK3):c.4953T>G (p.Ile1651Met)

Gene: ANK3 (ankyrin 3; minus strand). Cytogenetic location: 10q21.2.
Variant type: single nucleotide variant.
Coding change: c.4953T>G on transcript NM_020987.5 (MANE Select); coding-DNA position 4953, T replaced by G.
Protein change: p.Ile1651Met; replaces isoleucine 1651 with methionine.
Molecular consequence: missense variant. On other transcripts: intron variant (4).
Genome position (GRCh38, 1-based): chr10:60,075,928, A>C on the plus strand (T>G on the coding strand, the complement: ANK3 is on the minus strand). VCF-style: chr10-60075928-A-C. GRCh37 (hg19) VCF-style: chr10-61835686-A-C.
Other names: c.4387+4609T>G (NM_001204403.2); c.4408+4609T>G (NM_001204404.2); c.4405+4609T>G (NM_001320874.2); c.1807+4609T>G (NM_001149.4); short protein forms I1651M.
Identifiers: ClinVar variation 4872685 (VCV004872685.2).
Genomic context (GRCh38, chr10:60,075,928, plus strand): 5'-TATTAGCGGTGCTGCTGATGTAATAATTGACTTAAATGGCAAACTTGAGGAATACATATT[A>C]ATGTTTGATTTGGGGGAGGCAGGGGGTGTCATAGTAATTGATGACCTCTCCAAAAGAGAC-3'
Protein context (NP_066267.2, residues 1641-1661): MTPPASPKSN[Ile1651Met]NMYSSSLPFK